The following is an entry in ClinVar:

ClinVar aggregate classification (germline): Pathogenic (1 of 4 stars; one submission).

Conditions:
Tay-Sachs disease (TSD). Also called: HEXA DEFICIENCY; HEXA Disorders; GM2 gangliosidosis, type 1; Hexosaminidase alpha-subunit deficiency (variant B); Sphingolipidosis, Tay-Sachs; Hexosaminidase A Deficiency. Identifiers: Orphanet 845, MedGen C0039373, MONDO:0010100, OMIM 272800.

Submission:

Natera, Inc.
Classification: Pathogenic for Tay-Sachs disease. Last evaluated: 2025-02-24. Review status: criteria provided, single submitter. Criteria: Natera Variant Classification Schema (03/2026). Collection method: clinical testing. Allele origin: germline.
Comment: The c.681C>G variant in HEXA is a nonsense variant predicted to introduce a stop codon at amino acid 227. This variant is expected to result in nonsense mediated decay, truncation, or a dysfunctional protein product. This variant is rare in the general population with a frequency below the threshold expected for the associated phenotype(s). This variant has been observed in one or more individuals affected with the associated recessive disease, as either homozygous or compound heterozygous with a second variant (PMID: 17237499). Given the available evidence, this variant is classified as Pathogenic.

Literature cited by the submitters: PubMed 17237499.

NM_000520.6(HEXA):c.681C>G (p.Tyr227Ter)

Gene: HEXA (hexosaminidase subunit alpha; minus strand). Cytogenetic location: 15q23.
Variant type: single nucleotide variant.
Coding change: c.681C>G on transcript NM_000520.6 (MANE Select); coding-DNA position 681, C replaced by G.
Protein change: p.Tyr227Ter; replaces tyrosine 227 with a stop codon.
Molecular consequence: nonsense. On other transcripts: non-coding transcript variant (1).
Genome position (GRCh38, 1-based): chr15:72,350,642, G>C on the plus strand (C>G on the coding strand, the complement: HEXA is on the minus strand). VCF-style: chr15-72350642-G-C. GRCh37 (hg19) VCF-style: chr15-72642983-G-C.
Other names: c.714C>G, p.Tyr238Ter (NM_001318825.2); short protein forms Y227*, Y238*.
Identifiers: ClinVar variation 4814271 (VCV004814271.1).